The following is an entry in ClinVar:

ClinVar aggregate classification (germline): Likely benign (1 of 4 stars; one submission).

Conditions:
Familial thoracic aortic aneurysm and aortic dissection (TAAD). Also called: Thoracic aortic aneurysms and dissections. Identifiers: Orphanet 91387, MedGen C4707243, MONDO:0019625.

Submission:

Department of Clinical Genetics, Copenhagen University Hospital, Rigshospitalet
Classification: Likely benign for Familial thoracic aortic aneurysm and aortic dissection. Last evaluated: 2025-02-19. Review status: criteria provided, single submitter. Criteria: ACMG Guidelines, 2015. Collection method: clinical testing. Allele origin: germline.
Comment: The following ACMG criteria has been used: BP7_Strong (RNA); BP4

NM_005902.4(SMAD3):c.532+450del

Gene: SMAD3 (SMAD family member 3; plus strand). Cytogenetic location: 15q22.33.
Variant type: Deletion.
Coding change: c.532+450del on transcript NM_005902.4 (MANE Select); 450 bases into the intron after coding-DNA position 532, one base deleted (G; older notation c.532+450delG).
Molecular consequence: intron variant.
Genome position (GRCh38, 1-based): chr15:67,165,834, G deleted; the last of 3 consecutive G bases (chr15:67,165,832-67,165,834); deleting any one gives the same sequence. VCF-style (leftmost placement, unchanged base first): chr15-67165831-TG-T. GRCh37 (hg19) VCF-style: chr15-67458169-TG-T.
Other names: c.532+450del (NM_001407011.1, NM_001407013.1); c.400+746del (NM_001407012.1); c.385+450del (NM_001407014.1); c.217+450del (NM_001145102.2, NM_001407016.1); c.85+746del (NM_001407015.1); c.400+450del (NM_001145103.2).
Identifiers: ClinVar variation 3899290 (VCV003899290.1).
Genomic context (GRCh38, chr15:67,165,831, plus strand): 5'-TGCGGAGAGCTGGCTCTGTAAATTCGCCTGGGCATCAGGCCTCGGTGAGGGGCTCCAACC[TG>T]GGTGGGAATTGAAGTGACTTTGAGTTTTCACTCTGCAGGGAGAAATGGGCTTTGCCGTCA-3'